The following is an entry in ClinVar:

NM_007327.4(GRIN1):c.1976G>A (p.Arg659Gln)

Gene: GRIN1 (glutamate ionotropic receptor NMDA type subunit 1; plus strand). Cytogenetic location: 9q34.3.
Variant type: single nucleotide variant.
Coding change: c.1976G>A on transcript NM_007327.4 (MANE Select); coding-DNA position 1976, G replaced by A.
Protein change: p.Arg659Gln; replaces arginine 659 with glutamine.
Molecular consequence: missense variant.
Genome position (GRCh38, 1-based): chr9:137,162,702, G>A. VCF-style: chr9-137162702-G-A. GRCh37 (hg19) VCF-style: chr9-140057154-G-A.
Other names: c.1976G>A, p.Arg659Gln (NM_000832.7, NM_021569.4); c.2039G>A, p.Arg680Gln (NM_001185090.2, NM_001185091.2); short protein forms R659Q, R680Q.
Identifiers: ClinVar variation 1284989 (VCV001284989.5), dbSNP rs2131299400, ClinGen allele CA375721193.
Genomic context (GRCh38, chr9:137,162,702, plus strand): 5'-TTGCCATGATCATCGTGGCCTCCTACACCGCCAACCTGGCGGCCTTCCTGGTGCTGGACC[G>A]GCCGGAGGAGCGCATCACGGGCATCAACGACCCTCGGGTGAGGCCTGGCCGGGCTGGGGG-3'
Protein context (NP_015566.1, residues 649-669): ANLAAFLVLD[Arg659Gln]PEERITGIND

ClinVar aggregate classification (germline): Pathogenic/Likely pathogenic. Review status: criteria provided, multiple submitters, no conflicts (2 of 4 stars). 4 submissions from 4 submitters: Pathogenic (1); Likely pathogenic (1). 2 of the submissions do not count toward it. Last evaluated 2023-12-11.

Conditions:
Neurodevelopmental disorder with or without hyperkinetic movements and seizures, autosomal dominant. Also called: Intellectual disability, autosomal dominant 8. Identifiers: MedGen C3280282, MONDO:0013655, OMIM 614254.

Submissions (4):

Institute of Human Genetics, University of Leipzig Medical Center
Classification: Likely pathogenic for Neurodevelopmental disorder with or without hyperkinetic movements and seizures, autosomal dominant. Last evaluated: 2023-12-11. Review status: criteria provided, single submitter. Criteria: ACMG Guidelines, 2015. Collection method: clinical testing. Allele origin: unknown. Inheritance: Autosomal dominant inheritance. Affected: yes.
Comment: Criteria applied: PS4_MOD,PM1,PM5,PM2_SUP,PP2

Imagene.me medical diagnostic laboratory, IMAGENE.ME SA
Classification: Pathogenic for Neurodevelopmental disorder with or without hyperkinetic movements and seizures, autosomal dominant. Review status: criteria provided, single submitter. Criteria: IMAGENE.ME Variant Classification SOP 2022. Collection method: clinical testing. Allele origin: de novo. Affected: yes.
Comment: Classified according to the IMAGENE.ME variant classification SOP based on the ACMG guidelines as Pathogenic (P): PS2 + PM1 + PM2 + PP2 + PP3 + PP4 + PM5_Supporting

Genome Diagnostics Laboratory, University Medical Center Utrecht
Classification: Likely pathogenic. Review status: no assertion criteria provided. Collection method: clinical testing. Allele origin: germline. Affected: yes. Study: VKGL Data-share Consensus. Not counted in ClinVar's aggregate classification.

Joint Genome Diagnostic Labs from Nijmegen and Maastricht, Radboudumc and MUMC+
Classification: Likely pathogenic. Review status: no assertion criteria provided. Collection method: clinical testing. Allele origin: germline. Affected: yes. Study: VKGL Data-share Consensus. Not counted in ClinVar's aggregate classification.